The following is an entry in ClinVar:

ClinVar aggregate classification (germline): Pathogenic/Likely pathogenic. Review status: criteria provided, multiple submitters, no conflicts (2 of 4 stars). 2 submissions from 2 submitters: Pathogenic (1); Likely pathogenic (1). Last evaluated 2021-04-23.

Conditions:
Hereditary breast ovarian cancer syndrome. Also called: Hereditary breast and ovarian cancer syndrome (HBOC); Hereditary breast and ovarian cancer; Hereditary breast and/or ovarian cancer syndrome; Hereditary breast and ovarian cancer syndrome; Breast and ovarian cancer; BRCA1- and BRCA2-Associated Hereditary Breast and Ovarian Cancer. Identifiers: Orphanet 145, MedGen C0677776, MeSH D061325, MONDO:0003582. Disease mechanism: loss of function.
Familial cancer of breast. Also called: Hereditary breast cancer; hereditary breast carcinoma; BREAST CANCER, FAMILIAL. Identifiers: Orphanet 227535, MedGen C0346153, MONDO:0016419, OMIM 114480. Disease mechanism: loss of function.

Submissions (2):

Baylor Genetics
Classification: Likely pathogenic for Familial cancer of breast. Last evaluated: 2021-04-23. Review status: criteria provided, single submitter. Criteria: ACMG Guidelines, 2015. Collection method: clinical testing. Allele origin: unknown.

Labcorp Genetics (formerly Invitae), Labcorp
Classification: Pathogenic for Hereditary breast ovarian cancer syndrome. Last evaluated: 2019-03-03. Review status: criteria provided, single submitter. Criteria: Invitae Variant Classification Sherloc (09022015). Collection method: clinical testing. Allele origin: germline.
Comment: Loss-of-function variants in BRCA2 are known to be pathogenic (PMID: 20104584). For these reasons, this variant has been classified as Pathogenic. This variant has not been reported in the literature in individuals with BRCA2-related conditions. This variant is not present in population databases (ExAC no frequency). This sequence change creates a premature translational stop signal (p.Pro3039Thrfs*5) in the BRCA2 gene. It is expected to result in an absent or disrupted protein product.

Literature cited by the submitters: PubMed 20104584 (cited by Labcorp Genetics (formerly Invitae), Labcorp).

NM_000059.4(BRCA2):c.9113dup (p.Pro3039fs)

Gene: BRCA2 (BRCA2 DNA repair associated; plus strand). Cytogenetic location: 13q13.1.
Variant type: Duplication.
Coding change: c.9113dup on transcript NM_000059.4 (MANE Select); coding-DNA position 9113, one base duplicated (T; older notation c.9113dupT).
Protein change: p.Pro3039fs; shifts the reading frame from proline 3039.
Molecular consequence: frameshift variant.
Genome position (GRCh38, 1-based): chr13:32,379,909, T duplicated. VCF-style (leftmost placement, unchanged base first): chr13-32379908-C-CT. GRCh37 (hg19) VCF-style: chr13-32954045-C-CT.
Other names: short protein forms P3039fs.
Identifiers: ClinVar variation 838338 (VCV000838338.9), dbSNP rs2072911261, ClinGen allele CA916080541.
Genomic context (GRCh38, chr13:32,379,908, plus strand): 5'-AGTAAATCTGAAAGAGCTAACATACAGTTAGCAGCGACAAAAAAAACTCAGTATCAACAA[C>CT]TACCGGTACAAACCTTTCATTGTAATTTTTCAGTTTTGATAAGTGCTTGTTAGTTTATGG-3'